The following is an entry in ClinVar:

ClinVar aggregate classification (germline): Likely benign (0 of 4 stars; one submission).

Conditions:
PLXNA2-related disorder. Also called: PLXNA2-related condition.

Submission:

PreventionGenetics, part of Exact Sciences
Classification: Likely benign for PLXNA2-related condition. Last evaluated: 2023-08-24. Review status: no assertion criteria provided. Collection method: clinical testing. Allele origin: germline.
Comment: This variant is classified as likely benign based on ACMG/AMP sequence variant interpretation guidelines (Richards et al. 2015 PMID: 25741868, with internal and published modifications).

NM_025179.4(PLXNA2):c.4661-8C>T

Gene: PLXNA2 (plexin A2; minus strand). Cytogenetic location: 1q32.2.
Variant type: single nucleotide variant.
Coding change: c.4661-8C>T on transcript NM_025179.4 (MANE Select); 8 bases into the intron before coding-DNA position 4661, C replaced by T.
Molecular consequence: intron variant.
Genome position (GRCh38, 1-based): chr1:208,038,482, G>A on the plus strand (C>T on the coding strand, the complement: PLXNA2 is on the minus strand). VCF-style: chr1-208038482-G-A. GRCh37 (hg19) VCF-style: chr1-208211827-G-A.
Identifiers: ClinVar variation 3349952 (VCV003349952.1).